The following is an entry in ClinVar:

NM_014112.5(TRPS1):c.2026A>G (p.Ser676Gly)

Gene: TRPS1 (transcriptional repressor GATA binding 1; minus strand). Cytogenetic location: 8q23.3.
Variant type: single nucleotide variant.
Coding change: c.2026A>G on transcript NM_014112.5 (MANE Select); coding-DNA position 2026, A replaced by G.
Protein change: p.Ser676Gly; replaces serine 676 with glycine.
Molecular consequence: missense variant.
Genome position (GRCh38, 1-based): chr8:115,603,943, T>C on the plus strand (A>G on the coding strand, the complement: TRPS1 is on the minus strand). VCF-style: chr8-115603943-T-C. GRCh37 (hg19) VCF-style: chr8-116616170-T-C.
Other names: c.1999A>G, p.Ser667Gly (NM_001282902.3); c.2005A>G, p.Ser669Gly (NM_001282903.3); c.1987A>G, p.Ser663Gly (NM_001330599.2); short protein forms S676G, S669G, S663G, S667G.
Identifiers: ClinVar variation 2941414 (VCV002941414.3), dbSNP rs189969771, ClinGen allele CA372066093.

ClinVar aggregate classification (germline): Uncertain significance (1 of 4 stars; one submission).

Conditions:
Trichorhinophalangeal dysplasia type I (TRPS1). Also called: TRICHORHINOPHALANGEAL SYNDROME, TYPE I; TRPS I. Identifiers: Orphanet 77258, MedGen C0432233, MONDO:0008596, OMIM 190350.
Trichorhinophalangeal syndrome, type III (TRPS3). Also called: SUGIO-KAJII SYNDROME. Identifiers: Orphanet 77258, MedGen C1860823, OMIM 190351, MONDO:0008597.

Submission:

Labcorp Genetics (formerly Invitae), Labcorp
Classification: Uncertain significance for Trichorhinophalangeal syndrome, type III; Trichorhinophalangeal dysplasia type I. Last evaluated: 2023-01-10. Review status: criteria provided, single submitter. Criteria: Invitae Variant Classification Sherloc (09022015). Collection method: clinical testing. Allele origin: germline.
Comment: This sequence change replaces serine, which is neutral and polar, with glycine, which is neutral and non-polar, at codon 676 of the TRPS1 protein (p.Ser676Gly). This variant is not present in population databases (gnomAD no frequency). This variant has not been reported in the literature in individuals affected with TRPS1-related conditions. Advanced modeling of protein sequence and biophysical properties (such as structural, functional, and spatial information, amino acid conservation, physicochemical variation, residue mobility, and thermodynamic stability) performed at Invitae indicates that this missense variant is not expected to disrupt TRPS1 protein function. In summary, the available evidence is currently insufficient to determine the role of this variant in disease. Therefore, it has been classified as a Variant of Uncertain Significance.